The following is an entry in ClinVar:

ClinVar aggregate classification (germline): Likely pathogenic (0 of 4 stars; one submission).

Conditions:
MED13L-related disorder. Also called: MED13L-related condition.

Submission:

PreventionGenetics, part of Exact Sciences
Classification: Likely pathogenic for MED13L-related condition. Last evaluated: 2023-11-27. Review status: no assertion criteria provided. Collection method: clinical testing. Allele origin: germline.
Comment: The MED13L c.4670dupC variant is predicted to result in a frameshift and premature protein termination (p.Ala1558Serfs*6). To our knowledge, this variant has not been reported in the literature or in a large population database, indicating this variant is rare. Frameshift variants in MED13L are expected to be pathogenic. This variant is interpreted as likely pathogenic.

NM_015335.5(MED13L):c.4670dup (p.Ala1558fs)

Gene: MED13L (mediator complex subunit 13L; minus strand). Cytogenetic location: 12q24.21.
Variant type: Duplication.
Coding change: c.4670dup on transcript NM_015335.5 (MANE Select); coding-DNA position 4670, one base duplicated (C; older notation c.4670dupC).
Protein change: p.Ala1558fs; shifts the reading frame from alanine 1558.
Molecular consequence: frameshift variant.
Genome position (GRCh38, 1-based): chr12:115,983,402, G duplicated on the plus strand (C on the coding strand, the reverse complement: MED13L is on the minus strand); the first of 5 consecutive G bases (chr12:115,983,402-115,983,406); duplicating any one gives the same sequence. VCF-style (leftmost placement, unchanged base first): chr12-115983401-T-TG. GRCh37 (hg19) VCF-style: chr12-116421206-T-TG.
Other names: short protein forms A1558fs.
Identifiers: ClinVar variation 3033691 (VCV003033691.2), dbSNP rs1565993028, ClinGen allele CA2740097578.